The following is an entry in ClinVar:

ClinVar aggregate classification (germline): Benign. Review status: criteria provided, multiple submitters, no conflicts (2 of 4 stars). 3 submissions from 3 submitters: Benign (2). 1 of the submissions does not count toward it. Last evaluated 2021-07-14.

Conditions:
MAPK8IP3-related disorder. Also called: MAPK8IP3-related condition.
Neurodevelopmental disorder with or without variable brain abnormalities; NEDBA. Also called: NEURODEVELOPMENTAL DISORDER WITH OR WITHOUT VARIABLE BRAIN ABNORMALITIES. Identifiers: MedGen C5193102, MONDO:0032755, OMIM 618443.

Allele frequency attached by ClinVar (database versions not stated): gnomAD exomes 0.20747 and 0.24113; ESP Exome Variant Server 0.23131; TOPMed 0.25839; gnomAD 0.25953 and 0.25963; ExAC 0.27161; 1000 Genomes Project 0.29593; 1000 Genomes Project 30x 0.30231.
gnomAD v4.1: 342,117 of 1,607,070 alleles (21%); highest among the groups gnomAD compares: African/African-American, 36%; 38,961 homozygotes.

Submissions (3):

Genome-Nilou Lab
Classification: Benign for Neurodevelopmental disorder with or without variable brain abnormalities; NEDBA. Last evaluated: 2021-07-14. Review status: criteria provided, single submitter. Criteria: ACMG Guidelines, 2015. Collection method: clinical testing. Allele origin: germline. Affected: no.

Breakthrough Genomics
Classification: Benign. Review status: criteria provided, single submitter. Criteria: ACMG Guidelines, 2015. Collection method: not provided. Allele origin: germline. Inheritance: Autosomal dominant inheritance. Affected: yes.

PreventionGenetics, part of Exact Sciences
Classification: Benign for MAPK8IP3-related condition. Last evaluated: 2019-11-13. Review status: no assertion criteria provided. Collection method: clinical testing. Allele origin: germline. Not counted in ClinVar's aggregate classification.
Comment: This variant is classified as benign based on ACMG/AMP sequence variant interpretation guidelines (Richards et al. 2015 PMID: 25741868, with internal and published modifications).

NM_001318852.2(MAPK8IP3):c.2260A>G (p.Thr754Ala)

Gene: MAPK8IP3 (mitogen-activated protein kinase 8 interacting protein 3; plus strand). Cytogenetic location: 16p13.3.
Variant type: single nucleotide variant.
Coding change: c.2260A>G on transcript NM_001318852.2 (MANE Select); coding-DNA position 2260, A replaced by G.
Protein change: p.Thr754Ala; replaces threonine 754 with alanine.
Molecular consequence: missense variant.
Genome position (GRCh38, 1-based): chr16:1,764,439, A>G. VCF-style: chr16-1764439-A-G. GRCh37 (hg19) VCF-style: chr16-1814440-A-G.
Other names: c.2239A>G, p.Thr747Ala (NM_001040439.2); c.2257A>G, p.Thr753Ala (NM_015133.5); short protein forms T747A, T753A, T754A.
Identifiers: ClinVar variation 1185436 (VCV001185436.6), dbSNP rs2294619, ClinGen allele CA7817186.